The following is an entry in ClinVar:

ClinVar aggregate classification (germline): Uncertain significance. Review status: criteria provided, multiple submitters, no conflicts (2 of 4 stars). 3 submissions from 3 submitters: Uncertain significance (2). 1 of the submissions does not count toward it. Last evaluated 2024-04-25.

Conditions:
Hereditary cancer-predisposing syndrome. Also called: Neoplastic Syndromes, Hereditary; Tumor predisposition; Hereditary neoplastic syndrome; Hereditary Cancer Syndrome. Identifiers: Orphanet 140162, MedGen C0027672, MeSH D009386, MONDO:0015356.
Breast-ovarian cancer, familial, susceptibility to, 2 (BROVCA2). Also called: BRCA2 Hereditary Breast and Ovarian Cancer. Identifiers: Orphanet 145, MedGen C2675520, MONDO:0012933, OMIM 612555. Disease mechanism: loss of function.

Submissions (3):

Quest Diagnostics Nichols Institute San Juan Capistrano
Classification: Uncertain significance. Last evaluated: 2024-04-25. Review status: criteria provided, single submitter. Criteria: Quest Diagnostics criteria. Collection method: clinical testing. Allele origin: unknown.
Comment: The BRCA2 c.7512T>G (p.Phe2504Leu) variant has been reported in the published literature as neutral in a multifactorial likelihood analysis (PMID: 19043619 (2008)). This variant has not been reported in large, multi-ethnic general populations (Genome Aggregation Database). Analysis of this variant using bioinformatics tools for the prediction of the effect of amino acid changes on protein structure and function yielded predictions that this variant is benign. Based on the available information, we are unable to determine the clinical significance of this variant.

Ambry Genetics
Classification: Uncertain significance for Hereditary cancer-predisposing syndrome. Last evaluated: 2024-04-17. Review status: criteria provided, single submitter. Criteria: Ambry Variant Classification Scheme 2023. Collection method: clinical testing. Allele origin: germline.
Comment: The p.F2504L variant (also known as c.7512T>G), located in coding exon 14 of the BRCA2 gene, results from a T to G substitution at nucleotide position 7512. The phenylalanine at codon 2504 is replaced by leucine, an amino acid with highly similar properties. In a study utilizing a bioinformatics method that integrates information about protein sequence, conservation, and structure in a protein likelihood ratio, the effect of this alteration was predicted to be neutral (Karchin R et al. Cancer Inform. 2008;6:203-16). This amino acid position is not well conserved in available vertebrate species. In addition, this alteration is predicted to be tolerated by in silico analysis. Since supporting evidence is limited at this time, the clinical significance of this alteration remains unclear.

Breast Cancer Information Core (BIC) (BRCA2)
Classification: Uncertain significance for Breast-ovarian cancer, familial 2. Last evaluated: 2001-01-17. Review status: no assertion criteria provided. Collection method: clinical testing. Allele origin: germline. Affected: yes. Observed: 1 variant allele. Not counted in ClinVar's aggregate classification.

Literature cited by the submitters: PubMed 19043619 (cited by Quest Diagnostics Nichols Institute San Juan Capistrano).

NM_000059.4(BRCA2):c.7512T>G (p.Phe2504Leu)

Gene: BRCA2 (BRCA2 DNA repair associated; plus strand). Cytogenetic location: 13q13.1.
Variant type: single nucleotide variant.
Coding change: c.7512T>G on transcript NM_000059.4 (MANE Select); coding-DNA position 7512, T replaced by G.
Protein change: p.Phe2504Leu; replaces phenylalanine 2504 with leucine.
Molecular consequence: missense variant.
Genome position (GRCh38, 1-based): chr13:32,356,504, T>G. VCF-style: chr13-32356504-T-G. GRCh37 (hg19) VCF-style: chr13-32930641-T-G.
Other names: short protein forms F2504L.
Identifiers: ClinVar variation 52346 (VCV000052346.8), dbSNP rs80358977, ClinGen allele CA025128.